The following is an entry in ClinVar:

ClinVar aggregate classification (germline): Uncertain significance (1 of 4 stars; one submission).

Submission:

Athena Diagnostics
Classification: Uncertain significance. Last evaluated: 2023-04-12. Review status: criteria provided, single submitter. Criteria: Athena Diagnostics Criteria. Collection method: clinical testing. Allele origin: unknown.
Comment: Available data are insufficient to determine the clinical significance of the variant at this time. This variant has not been reported in large, multi-ethnic general populations. Another missense variant with the same amino acid change (c.4476G>T; p.Lys1492Asn) has been seen in one individual with Dravet syndrome (PMID: 29142202). In that individual the variant appears to occur de novo. Computational tools yielded inconclusive predictions regarding the effect of this variant on RNA splicing. The variant is located in a region that is considered important for protein function and/or structure. Computational tools predict that this variant is damaging.

Literature cited by the submitters: PubMed 29142202.

NM_001165963.4(SCN1A):c.4476G>C (p.Lys1492Asn)

Genes: SCN1A (sodium voltage-gated channel alpha subunit 1; minus strand), LOC102724058 (uncharacterized LOC102724058; plus strand). Cytogenetic location: 2q24.3.
Variant type: single nucleotide variant.
Coding change: c.4476G>C on transcript NM_001165963.4 (MANE Select); coding-DNA position 4476, G replaced by C.
Protein change: p.Lys1492Asn; replaces lysine 1492 with asparagine.
Molecular consequence: missense variant. On other transcripts: non-coding transcript variant (1).
Genome position (GRCh38, 1-based): chr2:165,998,038, C>G on the plus strand (G>C on the coding strand, the complement: SCN1A is on the minus strand). VCF-style: chr2-165998038-C-G. GRCh37 (hg19) VCF-style: chr2-166854548-C-G.
Other names: c.4392G>C, p.Lys1464Asn (NM_001165964.3, NM_001353957.2, NM_001353958.2); c.4476G>C, p.Lys1492Asn (NM_001202435.3, NM_001353948.2); c.4443G>C, p.Lys1481Asn (NM_001353949.2, NM_001353950.2, NM_001353951.2 and 2 more transcripts); c.4440G>C, p.Lys1480Asn (NM_001353954.2, NM_001353955.2); c.4389G>C, p.Lys1463Asn (NM_001353960.2); c.2034G>C, p.Lys678Asn (NM_001353961.2); short protein forms K1463N, K1464N, K1480N, K1481N, K1492N, K678N.
Identifiers: ClinVar variation 2684360 (VCV002684360.1), dbSNP rs1085307730, ClinGen allele CA349049045.